The following is an entry in ClinVar:

NM_001127222.2(CACNA1A):c.2799G>A (p.Val933=)

Gene: CACNA1A (calcium voltage-gated channel subunit alpha1 A; minus strand). Cytogenetic location: 19p13.13.
Variant type: single nucleotide variant.
Coding change: c.2799G>A on transcript NM_001127222.2 (MANE Select); coding-DNA position 2799, G replaced by A.
Protein change: p.Val933=; no amino-acid change (valine 933 retained).
Molecular consequence: synonymous variant.
Genome position (GRCh38, 1-based): chr19:13,298,834, C>T on the plus strand (G>A on the coding strand, the complement: CACNA1A is on the minus strand). VCF-style: chr19-13298834-C-T. GRCh37 (hg19) VCF-style: chr19-13409648-C-T.
Other names: c.2811G>A, p.Val937= (NM_000068.4, NM_023035.3); c.2802G>A, p.Val934= (NM_001127221.2, NM_001174080.2).
Identifiers: ClinVar variation 512015 (VCV000512015.10), dbSNP rs761397410, ClinGen allele CA9240475.

ClinVar aggregate classification (germline): Likely benign. Review status: criteria provided, multiple submitters, no conflicts (2 of 4 stars). 2 submissions from 2 submitters: Likely benign (2). Last evaluated 2024-02-22.

Conditions:
Episodic ataxia type 2 (EA2). Also called: ATAXIA, EPISODIC, WITH NYSTAGMUS; ATAXIA, FAMILIAL PAROXYSMAL; CEREBELLAR ATAXIA, PAROXYSMAL, ACETAZOLAMIDE-RESPONSIVE; CEREBELLOPATHY, HEREDITARY PAROXYSMAL; EPISODIC ATAXIA, NYSTAGMUS-ASSOCIATED; ACETAZOLAMIDE-RESPONSIVE HEREDITARY PAROXYSMAL CEREBELLAR ATAXIA. Identifiers: Orphanet 97, MedGen C1720416, MONDO:0007163, OMIM 108500.
Developmental and epileptic encephalopathy, 42 (DEE42A). Also called: DEVELOPMENTAL AND EPILEPTIC ENCEPHALOPATHY 42A; EPILEPTIC ENCEPHALOPATHY, EARLY INFANTILE, 42A; Epileptic encephalopathy, early infantile, 42. Identifiers: MedGen C4310716, MONDO:0014917, OMIM 617106.

Allele frequency attached by ClinVar (database versions not stated): gnomAD 0.00001; ExAC 0.00002; gnomAD exomes 0.00002; TOPMed 0.00003.
gnomAD v4.1: 31 of 1,580,378 alleles (0.002%); highest among the groups gnomAD compares: Middle Eastern, 0.038%; no homozygotes.

Submissions (2):

Labcorp Genetics (formerly Invitae), Labcorp
Classification: Likely benign for Developmental and epileptic encephalopathy, 42; Episodic ataxia type 2. Last evaluated: 2024-02-22. Review status: criteria provided, single submitter. Criteria: Invitae Variant Classification Sherloc (09022015). Collection method: clinical testing. Allele origin: germline.

GeneDx
Classification: Likely benign. Last evaluated: 2017-09-14. Review status: criteria provided, single submitter. Criteria: GeneDx Variant Classification (06012015). Collection method: clinical testing. Allele origin: germline. Affected: yes.
Comment: This variant is considered likely benign or benign based on one or more of the following criteria: it is a conservative change, it occurs at a poorly conserved position in the protein, it is predicted to be benign by multiple in silico algorithms, and/or has population frequency not consistent with disease.